The following is an entry in ClinVar:

NM_001199799.2(ILDR1):c.379+10G>C

Gene: ILDR1 (immunoglobulin like domain containing receptor 1; minus strand). Cytogenetic location: 3q13.33.
Variant type: single nucleotide variant.
Coding change: c.379+10G>C on transcript NM_001199799.2 (MANE Select); 10 bases into the intron after coding-DNA position 379, G replaced by C.
Molecular consequence: intron variant.
Genome position (GRCh38, 1-based): chr3:122,005,234, C>G on the plus strand (G>C on the coding strand, the complement: ILDR1 is on the minus strand). VCF-style: chr3-122005234-C-G. GRCh37 (hg19) VCF-style: chr3-121724081-C-G.
Other names: c.379+10G>C (NM_001199800.2, NM_175924.4).
Identifiers: ClinVar variation 509517 (VCV000509517.13), dbSNP rs200883040, ClinGen allele CA2568953.

ClinVar aggregate classification (germline): Benign/Likely benign. Review status: criteria provided, multiple submitters, no conflicts (2 of 4 stars). 4 submissions from 4 submitters: Benign (1); Likely benign (3). Last evaluated 2025-12-08.

Allele frequency attached by ClinVar (database versions not stated): 1000 Genomes Project 30x 0.00062; 1000 Genomes Project 0.00080; TOPMed 0.00082; gnomAD 0.00027 and 0.00051; ExAC 0.00050.
gnomAD v4.1: 388 of 1,596,830 alleles (0.024%); highest among the groups gnomAD compares: East Asian, 0.6%; 3 homozygotes.

Submissions (4):

Labcorp Genetics (formerly Invitae), Labcorp
Classification: Benign. Last evaluated: 2025-12-08. Review status: criteria provided, single submitter. Criteria: Invitae Variant Classification Sherloc (09022015). Collection method: clinical testing. Allele origin: germline.

Blueprint Genetics
Classification: Likely benign. Last evaluated: 2024-02-13. Review status: criteria provided, single submitter. Criteria: ACMG Guidelines, 2015. Collection method: clinical testing. Allele origin: germline.

Eurofins Ntd Llc (ga)
Classification: Likely benign. Last evaluated: 2017-07-21. Review status: criteria provided, single submitter. Criteria: EGL Classification Definitions 2015. Collection method: clinical testing. Allele origin: germline. Observed: 1 variant allele, 1 heterozygote.

GeneDx
Classification: Likely benign. Last evaluated: 2017-05-09. Review status: criteria provided, single submitter. Criteria: GeneDx Variant Classification (06012015). Collection method: clinical testing. Allele origin: germline. Affected: yes.
Comment: This variant is considered likely benign or benign based on one or more of the following criteria: it is a conservative change, it occurs at a poorly conserved position in the protein, it is predicted to be benign by multiple in silico algorithms, and/or has population frequency not consistent with disease.